The following is an entry in ClinVar:

NM_000836.4(GRIN2D):c.3228G>C (p.Ala1076=)

Gene: GRIN2D (glutamate ionotropic receptor NMDA type subunit 2D; plus strand). Cytogenetic location: 19q13.33.
Variant type: single nucleotide variant.
Coding change: c.3228G>C on transcript NM_000836.4 (MANE Select); coding-DNA position 3228, G replaced by C.
Protein change: p.Ala1076=; no amino-acid change (alanine 1076 retained).
Molecular consequence: synonymous variant.
Genome position (GRCh38, 1-based): chr19:48,443,154, G>C. VCF-style: chr19-48443154-G-C. GRCh37 (hg19) VCF-style: chr19-48946411-G-C.
Identifiers: ClinVar variation 2650205 (VCV002650205.24), dbSNP rs1158230971, ClinGen allele CA508265191.

ClinVar aggregate classification (germline): Likely benign (1 of 4 stars; one submission).

Submission:

CeGaT Center for Human Genetics Tuebingen
Classification: Likely benign. Last evaluated: 2022-11-01. Review status: criteria provided, single submitter. Criteria: CeGaT Center For Human Genetics Tuebingen Variant Classification Criteria Version 2. Collection method: clinical testing. Allele origin: germline. Affected: yes. Observed: 1 variant allele.
Comment: GRIN2D: PM2:Supporting, BP4, BP7